The following is an entry in ClinVar:

ClinVar aggregate classification (germline): Uncertain significance (1 of 4 stars; one submission).

Submission:

GeneDx
Classification: Uncertain significance. Last evaluated: 2024-08-01. Review status: criteria provided, single submitter. Criteria: GeneDx Variant Classification Process June 2021. Collection method: clinical testing. Allele origin: germline. Affected: yes.
Comment: Not observed at significant frequency in large population cohorts (gnomAD); In silico analysis supports that this missense variant has a deleterious effect on protein structure/function; Has not been previously published as pathogenic or benign to our knowledge

NM_002470.4(MYH3):c.2225C>A (p.Ala742Asp)

Gene: MYH3 (myosin heavy chain 3; minus strand). Cytogenetic location: 17p13.1.
Variant type: single nucleotide variant.
Coding change: c.2225C>A on transcript NM_002470.4 (MANE Select); coding-DNA position 2225, C replaced by A.
Protein change: p.Ala742Asp; replaces alanine 742 with aspartic acid.
Molecular consequence: missense variant.
Genome position (GRCh38, 1-based): chr17:10,640,627, G>T on the plus strand (C>A on the coding strand, the complement: MYH3 is on the minus strand). VCF-style: chr17-10640627-G-T. GRCh37 (hg19) VCF-style: chr17-10543944-G-T.
Other names: short protein forms A742D.
Identifiers: ClinVar variation 3602388 (VCV003602388.1).